The following is an entry in ClinVar:

NM_003128.3(SPTBN1):c.3057G>A (p.Ala1019=)

Gene: SPTBN1 (spectrin beta, non-erythrocytic 1; plus strand). Cytogenetic location: 2p16.2.
Variant type: single nucleotide variant.
Coding change: c.3057G>A on transcript NM_003128.3 (MANE Select); coding-DNA position 3057, G replaced by A.
Protein change: p.Ala1019=; no amino-acid change (alanine 1019 retained).
Molecular consequence: synonymous variant.
Genome position (GRCh38, 1-based): chr2:54,631,104, G>A. VCF-style: chr2-54631104-G-A. GRCh37 (hg19) VCF-style: chr2-54858241-G-A.
Other names: c.3018G>A, p.Ala1006= (NM_178313.3).
Identifiers: ClinVar variation 4873311 (VCV004873311.2).

ClinVar aggregate classification (germline): Likely benign (1 of 4 stars; one submission).

gnomAD v4.1: 27 of 1,614,066 alleles (0.0017%); highest among the groups gnomAD compares: Admixed American, 0.013%; no homozygotes.

Submission:

CeGaT Center for Human Genetics Tuebingen
Classification: Likely benign. Last evaluated: 2026-04-01. Review status: criteria provided, single submitter. Criteria: CeGaT Center For Human Genetics Tuebingen Variant Classification Criteria Version 2. Collection method: clinical testing. Allele origin: germline. Affected: yes. Observed: 1 variant allele.
Comment: SPTBN1: BP4, BP7